The following is an entry in ClinVar:

ClinVar aggregate classification (germline): Pathogenic/Likely pathogenic. Review status: criteria provided, multiple submitters, no conflicts (2 of 4 stars). 2 submissions from 2 submitters: Pathogenic (1); Likely pathogenic (1). Last evaluated 2021-07-21.

Conditions:
Type 2 diabetes mellitus. Also called: Type II diabetes mellitus. Identifiers: MedGen C0011860, MeSH D003924, MONDO:0005148, OMIM 125853, HP:0005978.
Nonpapillary renal cell carcinoma. Identifiers: Orphanet 422526, MedGen CN074294, MONDO:0007763, OMIM 144700.
Renal cysts and diabetes syndrome (RCAD). Also called: MATURITY-ONSET DIABETES OF THE YOUNG, TYPE 5; Familial hypoplastic, glomerulocystic kidney. Identifiers: Orphanet 93111, MedGen C0431693, MONDO:0007669, OMIM 137920.

Submissions (2):

Fulgent Genetics
Classification: Likely pathogenic for Type 2 diabetes mellitus; Renal cysts and diabetes syndrome; Nonpapillary renal cell carcinoma. Last evaluated: 2021-07-21. Review status: criteria provided, single submitter. Criteria: ACMG Guidelines, 2015. Collection method: clinical testing. Allele origin: unknown.

Labcorp Genetics (formerly Invitae), Labcorp
Classification: Pathogenic. Last evaluated: 2021-07-01. Review status: criteria provided, single submitter. Criteria: Invitae Variant Classification Sherloc (09022015). Collection method: clinical testing. Allele origin: germline.
Comment: This sequence change creates a premature translational stop signal (p.Gln212*) in the HNF1B gene. It is expected to result in an absent or disrupted protein product. Loss-of-function variants in HNF1B are known to be pathogenic (PMID: 9398836, 12148114, 15068978, 20378641). This variant is not present in population databases (ExAC no frequency). This variant has not been reported in the literature in individuals affected with HNF1B-related conditions. For these reasons, this variant has been classified as Pathogenic.

Literature cited by the submitters: PubMed 9398836 (cited by Labcorp Genetics (formerly Invitae), Labcorp); PubMed 12148114 (cited by Labcorp Genetics (formerly Invitae), Labcorp); PubMed 15068978 (cited by Labcorp Genetics (formerly Invitae), Labcorp); PubMed 20378641 (cited by Labcorp Genetics (formerly Invitae), Labcorp).

NM_000458.4(HNF1B):c.634C>T (p.Gln212Ter)

Genes: HNF1B (HNF1 homeobox B; minus strand), LOC126862549 (BRD4-independent group 4 enhancer GRCh37_chr17:36093401-36094600; plus strand). Cytogenetic location: 17q12.
Variant type: single nucleotide variant.
Coding change: c.634C>T on transcript NM_000458.4 (MANE Select); coding-DNA position 634, C replaced by T.
Protein change: p.Gln212Ter; replaces glutamine 212 with a stop codon.
Molecular consequence: nonsense.
Genome position (GRCh38, 1-based): chr17:37,733,732, G>A on the plus strand (C>T on the coding strand, the complement: HNF1B is on the minus strand). VCF-style: chr17-37733732-G-A. GRCh37 (hg19) VCF-style: chr17-36093725-G-A.
Other names: c.556C>T, p.Gln186Ter (NM_001165923.4, NM_001304286.2); short protein forms Q212*, Q186*.
Identifiers: ClinVar variation 1457328 (VCV001457328.7), dbSNP rs2147553451, ClinGen allele CA398749422.
Genomic context (GRCh38, chr17:37,733,732, plus strand): 5'-GCATCTTCTTGTTGGTGGGCTCAGAGCAGGCATCATCGGACTGCCCAGGCCCATGGCTCT[G>A]TTGACTGAACTCTGGAAAGAGAAACAGCAGCTGATCCTGACTGCTTTTGTCTGTCATATT-3'